The following is an entry in ClinVar:

NM_005267.5(GJA8):c.121G>C (p.Ala41Pro)

Gene: GJA8 (gap junction protein alpha 8; plus strand). Cytogenetic location: 1q21.2.
Variant type: single nucleotide variant.
Coding change: c.121G>C on transcript NM_005267.5 (MANE Select); coding-DNA position 121, G replaced by C.
Protein change: p.Ala41Pro; replaces alanine 41 with proline.
Molecular consequence: missense variant.
Genome position (GRCh38, 1-based): chr1:147,908,076, G>C. VCF-style: chr1-147908076-G-C. GRCh37 (hg19) VCF-style: chr1-147380203-G-C.
Other names: short protein forms A41P.
Identifiers: ClinVar variation 3253733 (VCV003253733.2).

ClinVar aggregate classification (germline): Likely pathogenic (1 of 4 stars; one submission).

Conditions:
Cataract 1 multiple types. Also called: CATARACT, DUFFY-LINKED; CATARACT 1, POSTERIOR SUBCAPSULAR, WITH MICROCORNEA; CATARACT 1, STELLATE NUCLEAR, WITH MICROCORNEA; CATARACT 1, MULTIPLE TYPES, WITH OR WITHOUT MICROCORNEA; CATARACT 1, NUCLEAR PROGRESSIVE; CATARACT 1 WITH MICROCORNEA. Identifiers: Orphanet 1377, MedGen C1861828, MONDO:0007285, OMIM 116200.

Submission:

Dept. Genetics and Cancer, Menzies Institute for Medical Research, University of Tasmania
Classification: Likely pathogenic for Cataract 1 multiple types. Last evaluated: 2024-05-22. Review status: criteria provided, single submitter. Criteria: ACMG Guidelines, 2015. Collection method: research. Allele origin: germline. Affected: yes. Observed: 1 variant allele.
Comment: GJA8 NM_005267.5:c.121G>C p.(Ala41Pro). ACMG-AMP criteria: PM2_Supp, PP3_Strong, PM1. Absent from population databases (gnomad v4.0), Multiple lines of computational evidence suggest a deleterious effect (REVEL=0.961), Located in hotspot (as defined in PMID:34360596).